The following is an entry in ClinVar:

ClinVar aggregate classification (germline): Uncertain significance. Review status: criteria provided, multiple submitters, no conflicts (2 of 4 stars). 2 submissions from 2 submitters: Uncertain significance (2). Last evaluated 2023-09-21.

Conditions:
Combined immunodeficiency due to LRBA deficiency. Also called: Common variable immunodeficiency 8, with autoimmunity. Identifiers: Orphanet 445018, MedGen C3553512, MONDO:0013863, OMIM 614700.

Allele frequency attached by ClinVar (database versions not stated): gnomAD exomes below 0.00001.
gnomAD v4.1: 1 of 1,606,912 alleles (0.000062%); highest among the groups gnomAD compares: Non-Finnish European, 0.000085%; no homozygotes.

Submissions (2):

Labcorp Genetics (formerly Invitae), Labcorp
Classification: Uncertain significance for Combined immunodeficiency due to LRBA deficiency. Last evaluated: 2023-09-21. Review status: criteria provided, single submitter. Criteria: Invitae Variant Classification Sherloc (09022015). Collection method: clinical testing. Allele origin: germline.
Comment: This sequence change replaces valine, which is neutral and non-polar, with phenylalanine, which is neutral and non-polar, at codon 2249 of the LRBA protein (p.Val2249Phe). In summary, the available evidence is currently insufficient to determine the role of this variant in disease. Therefore, it has been classified as a Variant of Uncertain Significance. Advanced modeling of protein sequence and biophysical properties (such as structural, functional, and spatial information, amino acid conservation, physicochemical variation, residue mobility, and thermodynamic stability) has been performed at Invitae for this missense variant, however the output from this modeling did not meet the statistical confidence thresholds required to predict the impact of this variant on LRBA protein function. ClinVar contains an entry for this variant (Variation ID: 540395). This missense change has been observed in individual(s) with immune deficiency, autoimmunity, and Burkitt's lymphoma (PMID: 26206937). This variant is not present in population databases (gnomAD no frequency).

Blueprint Genetics
Classification: Uncertain significance. Last evaluated: 2020-11-27. Review status: criteria provided, single submitter. Criteria: ACMG Guidelines, 2015. Collection method: clinical testing. Allele origin: germline.

Literature cited by the submitters: PubMed 26206937 (cited by Labcorp Genetics (formerly Invitae), Labcorp).

NM_001364905.1(LRBA):c.6712G>T (p.Val2238Phe)

Gene: LRBA (LPS responsive beige-like anchor protein; minus strand). Cytogenetic location: 4q31.3.
Variant type: single nucleotide variant.
Coding change: c.6712G>T on transcript NM_001364905.1 (MANE Select); coding-DNA position 6712, G replaced by T.
Protein change: p.Val2238Phe; replaces valine 2238 with phenylalanine.
Molecular consequence: missense variant.
Genome position (GRCh38, 1-based): chr4:150,467,741, C>A on the plus strand (G>T on the coding strand, the complement: LRBA is on the minus strand). VCF-style: chr4-150467741-C-A. GRCh37 (hg19) VCF-style: chr4-151388893-C-A.
Other names: c.6712G>T, p.Val2238Phe (NM_001199282.3, NM_001367550.1); c.6745G>T, p.Val2249Phe (NM_006726.5); short protein forms V2249F, V2238F.
Identifiers: ClinVar variation 540395 (VCV000540395.9), dbSNP rs1554034100, ClinGen allele CA358605776.